The following is an entry in ClinVar:

NM_000044.6(AR):c.1370GCG[6] (p.Gly463_Gly473del)

Gene: AR (androgen receptor; plus strand). Cytogenetic location: Xq12.
Variant type: Microsatellite.
Coding change: c.1370GCG[6] on transcript NM_000044.6 (MANE Select); six copies in a row of the 3-base unit GCG starting at c.1370; the reference has 17 copies in a row; 11 copies, 33 bases deleted.
Protein change: p.Gly463_Gly473del.
Molecular consequence: inframe deletion. On other transcripts: 5 prime UTR variant (1).
Genome position (GRCh38, 1-based): chrX:67,546,534-67,546,566, 33 bases deleted; deleting any 33 consecutive bases within chrX:67,546,515-67,546,566 gives the same sequence; the position shown is the placement nearest the transcript's 3' end. GRCh37 (hg19), VCF-style position (the base before the change): chrX:66,766,356.
Other names: c.1388_1420del33 (NM_000044.3); c.-414GCG[6] (NM_001011645.3); c.1370GCG[6], p.Gly463_Gly473del (NM_001348061.1, NM_001348063.1, NM_001348064.1).
Identifiers: ClinVar variation 1421729 (VCV001421729.10), dbSNP rs746853821, ClinGen allele CA517048820.

ClinVar aggregate classification (germline): Uncertain significance. Review status: criteria provided, single submitter (1 of 4 stars). 2 submissions from 2 submitters: Uncertain significance (1). 1 of the submissions does not count toward it. Last evaluated 2021-02-24.

Conditions:
AR-related disorder. Also called: AR-related condition.
Kennedy disease (SMAX1). Also called: SPINAL AND BULBAR MUSCULAR ATROPHY, X-LINKED 1; KENNEDY SPINAL AND BULBAR MUSCULAR ATROPHY; Spinal and Bulbar Muscular Atrophy. Identifiers: Orphanet 481, MedGen C1839259, MONDO:0010735, OMIM 313200.
Androgen resistance syndrome (AIS). Also called: ANDROGEN RECEPTOR DEFICIENCY; DIHYDROTESTOSTERONE RECEPTOR DEFICIENCY; Androgen insensitivity; DHTR DEFICIENCY; TESTICULAR FEMINIZATION SYNDROME; Androgen insensitivity syndrome. Identifiers: Orphanet 754, Orphanet 99429, MedGen C0039585, MONDO:0019154, OMIM 300068. Disease mechanism: loss of function.

Submissions (2):

Labcorp Genetics (formerly Invitae), Labcorp
Classification: Uncertain significance for Kennedy disease; Androgen resistance syndrome. Last evaluated: 2021-02-24. Review status: criteria provided, single submitter. Criteria: Invitae Variant Classification Sherloc (09022015). Collection method: clinical testing. Allele origin: germline.
Comment: This variant, c.1388_1420del, results in the deletion of 11 amino acid(s) of the AR protein (p.Gly463_Gly473del), but otherwise preserves the integrity of the reading frame. The frequency data for this variant in the population databases is considered unreliable, as metrics indicate insufficient coverage at this position in the ExAC database. This variant has not been reported in the literature in individuals with AR-related conditions. Experimental studies and prediction algorithms are not available or were not evaluated, and the functional significance of this variant is currently unknown. In summary, the available evidence is currently insufficient to determine the role of this variant in disease. Therefore, it has been classified as a Variant of Uncertain Significance.

PreventionGenetics, part of Exact Sciences
Classification: Benign for AR-related condition. Last evaluated: 2021-09-20. Review status: no assertion criteria provided. Collection method: clinical testing. Allele origin: germline. Not counted in ClinVar's aggregate classification.
Comment: This variant is classified as benign based on ACMG/AMP sequence variant interpretation guidelines (Richards et al. 2015 PMID: 25741868, with internal and published modifications).